The following is an entry in ClinVar:

ClinVar aggregate classification (germline): Uncertain significance (1 of 4 stars; one submission).

Submission:

Ambry Genetics
Classification: Uncertain significance. Last evaluated: 2026-06-28. Review status: criteria provided, single submitter. Criteria: Ambry Variant Classification Scheme 2023. Collection method: clinical testing. Allele origin: germline.
Comment: The p.L344F variant (also known as c.1030C>T), located in coding exon 9 of the RAD51B gene, results from a C to T substitution at nucleotide position 1030. The leucine at codon 344 is replaced by phenylalanine, an amino acid with highly similar properties. This amino acid position is conserved. In addition, the in silico prediction for this alteration is inconclusive. Based on the available evidence, the clinical significance of this variant remains unclear.

NM_133510.4(RAD51B):c.1030C>T (p.Leu344Phe)

Gene: RAD51B (RAD51 paralog B; plus strand). Cytogenetic location: 14q24.1.
Variant type: single nucleotide variant.
Coding change: c.1030C>T on transcript NM_133510.4 (MANE Select); coding-DNA position 1030, C replaced by T.
Protein change: p.Leu344Phe; replaces leucine 344 with phenylalanine.
Molecular consequence: missense variant.
Genome position (GRCh38, 1-based): chr14:68,468,244, C>T. VCF-style: chr14-68468244-C-T. GRCh37 (hg19) VCF-style: chr14-68934961-C-T.
Other names: c.1030C>T, p.Leu344Phe (NM_001321810.2, NM_001321812.1, NM_001321814.2 and 6 more transcripts); c.916C>T, p.Leu306Phe (NM_001321815.1); c.673C>T, p.Leu225Phe (NM_001321817.2); short protein forms L306F, L344F, L225F.
Identifiers: ClinVar variation 5027768 (VCV005027768.1).
Genomic context (GRCh38, chr14:68,468,244, plus strand): 5'-AAGTCCCCTCTGGCTCCCTTCACCTCATTTGTCTACACCATCAAGGAGGAAGGCCTGGTT[C>T]TTCAAGGTAAGATCCTTGGATTAAGCCATTTCTTTAAGCTTATGCTCAGTGCTGCCCATT-3'
Protein context (NP_598194.1, residues 334-350): VYTIKEEGLV[Leu344Phe]QGQEKP